The following is an entry in ClinVar:

NM_000419.5(ITGA2B):c.1664T>C (p.Leu555Pro)

Gene: ITGA2B (integrin subunit alpha 2b; minus strand). Cytogenetic location: 17q21.31.
Variant type: single nucleotide variant.
Coding change: c.1664T>C on transcript NM_000419.5 (MANE Select); coding-DNA position 1664, T replaced by C.
Protein change: p.Leu555Pro; replaces leucine 555 with proline.
Molecular consequence: missense variant.
Genome position (GRCh38, 1-based): chr17:44,380,090, A>G on the plus strand (T>C on the coding strand, the complement: ITGA2B is on the minus strand). VCF-style: chr17-44380090-A-G. GRCh37 (hg19) VCF-style: chr17-42457458-A-G.
Other names: short protein forms L555P.
Identifiers: ClinVar variation 4705419 (VCV004705419.1).

ClinVar aggregate classification (germline): Uncertain significance (1 of 4 stars; one submission).

Conditions:
Glanzmann thrombasthenia. Also called: BLEEDING DISORDER, PLATELET-TYPE, 2; THROMBASTHENIA OF GLANZMANN AND NAEGELI; Thrombasthenia; PLATELET GLYCOPROTEIN IIb-IIIa DEFICIENCY; Glanzmann's thrombasthenia. Identifiers: Orphanet 849, MedGen C0040015, MONDO:0100326.

Submission:

Labcorp Genetics (formerly Invitae), Labcorp
Classification: Uncertain significance for Glanzmann thrombasthenia. Last evaluated: 2025-12-11. Review status: criteria provided, single submitter. Criteria: Invitae Variant Classification Sherloc (09022015). Collection method: clinical testing. Allele origin: germline.
Comment: This sequence change replaces leucine, which is neutral and non-polar, with proline, which is neutral and non-polar, at codon 555 of the ITGA2B protein (p.Leu555Pro). This variant is not present in population databases (gnomAD no frequency). This variant has not been reported in the literature in individuals affected with ITGA2B-related conditions. Invitae Evidence Modeling of protein sequence and biophysical properties (such as structural, functional, and spatial information, amino acid conservation, physicochemical variation, residue mobility, and thermodynamic stability) indicates that this missense variant is expected to disrupt ITGA2B protein function with a positive predictive value of 95%. In summary, the available evidence is currently insufficient to determine the role of this variant in disease. Therefore, it has been classified as a Variant of Uncertain Significance.